The following is an entry in ClinVar:

ClinVar aggregate classification (germline): Pathogenic (1 of 4 stars; one submission).

Submission:

GeneDx
Classification: Pathogenic. Last evaluated: 2017-08-11. Review status: criteria provided, single submitter. Criteria: GeneDx Variant Classification (06012015). Collection method: clinical testing. Allele origin: germline. Affected: yes.
Comment: A novel G434S pathogenic variant was identified in the COL1A1 gene. It has not been published as a pathogenic variant, nor has it been reported as a benign variant to our knowledge. G434S occurs in the triple helical domain and replaces the Glycine in the canonical Gly-X-Y repeat. Variants in these Glycines result in poor winding of the collagen triple helix and a less functional protein. The G434S variant is not observed in large population cohorts (Lek et al., 2016; 1000 Genomes Consortium et al., 2015; Exome Variant Server). G434S is a non-conservative amino acid substitution, which is likely to impact secondary protein structure as these residues differ in polarity, charge, size and/or other properties. This substitution occurs at a position that is conserved across species. In silico analysis predicts this variant is probably damaging to the protein structure/function. Missense variants in the same Glycine residue (G434V) and in nearby Glycine residues (G422C/A, G425S, G428C, G431V, G437D) have been reported in the Human Gene Mutation Database in association with OI (Stenson et al., 2014), supporting the functional importance of this region of the protein. Therefore, the presence of this pathogenic variant is consistent with the diagnosis of a COL1A1-related skeletal dysplasia.

NM_000088.4(COL1A1):c.1300G>A (p.Gly434Ser)

Gene: COL1A1 (collagen type I alpha 1 chain; minus strand). Cytogenetic location: 17q21.33.
Variant type: single nucleotide variant.
Coding change: c.1300G>A on transcript NM_000088.4 (MANE Select); coding-DNA position 1300, G replaced by A.
Protein change: p.Gly434Ser; replaces glycine 434 with serine.
Molecular consequence: missense variant.
Genome position (GRCh38, 1-based): chr17:50,195,100, C>T on the plus strand (G>A on the coding strand, the complement: COL1A1 is on the minus strand). VCF-style: chr17-50195100-C-T. GRCh37 (hg19) VCF-style: chr17-48272461-C-T.
Other names: short protein forms G434S.
Identifiers: ClinVar variation 451158 (VCV000451158.2), dbSNP rs1555573969, ClinGen allele CA400218613.
Genomic context (GRCh38, chr17:50,195,100, plus strand): 5'-GACTTACAGGCTCTCCCTTAGCACCAGTGTCTCCTTTGCTGCCAGGAGCACCAGGTTCAC[C>T]CTGCAAGGGGGGAGAAGAGGATGAGCTGAGAGTCGGGGGCGCTCAGTTGGCCTGCGTCTT-3'
Protein context (NP_000079.2, residues 424-444): GGPPGPKGNS[Gly434Ser]EPGAPGSKGD